The following is an entry in ClinVar:

ClinVar aggregate classification (germline): Benign (0 of 4 stars; one submission).

Conditions:
SLC25A33-related disorder. Also called: SLC25A33-related condition.

Allele frequency attached by ClinVar (database versions not stated): ExAC 0.00067; 1000 Genomes Project 0.00200; TOPMed 0.00207; gnomAD 0.00211; 1000 Genomes Project 30x 0.00219; ESP Exome Variant Server 0.00223; gnomAD exomes 0.00020.
gnomAD v4.1: 631 of 1,614,142 alleles (0.039%); highest among the groups gnomAD compares: African/African-American, 0.76%; 2 homozygotes.

Submission:

PreventionGenetics, part of Exact Sciences
Classification: Benign for SLC25A33-related condition. Last evaluated: 2019-12-20. Review status: no assertion criteria provided. Collection method: clinical testing. Allele origin: germline.
Comment: This variant is classified as benign based on ACMG/AMP sequence variant interpretation guidelines (Richards et al. 2015 PMID: 25741868, with internal and published modifications).

NM_032315.3(SLC25A33):c.138C>T (p.Leu46=)

Gene: SLC25A33 (solute carrier family 25 member 33; plus strand). Cytogenetic location: 1p36.22.
Variant type: single nucleotide variant.
Coding change: c.138C>T on transcript NM_032315.3 (MANE Select); coding-DNA position 138, C replaced by T.
Protein change: p.Leu46=; no amino-acid change (leucine 46 retained).
Molecular consequence: synonymous variant.
Genome position (GRCh38, 1-based): chr1:9,553,707, C>T. VCF-style: chr1-9553707-C-T. GRCh37 (hg19) VCF-style: chr1-9613765-C-T.
Identifiers: ClinVar variation 3050771 (VCV003050771.2), dbSNP rs116301499, ClinGen allele CA575816.
Genomic context (GRCh38, chr1:9,553,707, plus strand): 5'-TATTTTCACTTGTCCACTAGAAGTCATTAAGACACGGTTGCAGTCTTCAAGATTAGCTCT[C>T]CGGACAGTCTACTATCCTCAGGTTCATCTGGGGACCATTAGTGGAGCTGGAATGGTGAGA-3'
Protein context (NP_115691.1, residues 36-56): KTRLQSSRLA[Leu46=]RTVYYPQVHL